The following is an entry in ClinVar:

ClinVar aggregate classification (germline): Uncertain significance (1 of 4 stars; one submission).

Conditions:
Saldino-Mainzer syndrome (SRTD9). Also called: CONORENAL SYNDROME; Renal dysplasia, retinal pigmentary dystrophy, cerebellar ataxia and skeletal dysplasia; short-rib thoracic dysplasia 9 with or without polydactyly; SHORT-RIB THORACIC DYSPLASIA 9 WITHOUT POLYDACTYLY. Identifiers: Orphanet 140969, MedGen C1849437, MONDO:0009964, OMIM 266920.

Submission:

Labcorp Genetics (formerly Invitae), Labcorp
Classification: Uncertain significance for Saldino-Mainzer syndrome. Last evaluated: 2022-03-10. Review status: criteria provided, single submitter. Criteria: Invitae Variant Classification Sherloc (09022015). Collection method: clinical testing. Allele origin: germline.
Comment: In summary, the available evidence is currently insufficient to determine the role of this variant in disease. Therefore, it has been classified as a Variant of Uncertain Significance. Algorithms developed to predict the effect of sequence changes on RNA splicing suggest that this variant may disrupt the consensus splice site. Algorithms developed to predict the effect of missense changes on protein structure and function are either unavailable or do not agree on the potential impact of this missense change (SIFT: "Deleterious"; PolyPhen-2: "Possibly Damaging"; Align-GVGD: "Class C0"). ClinVar contains an entry for this variant (Variation ID: 1021000). This variant has not been reported in the literature in individuals affected with IFT140-related conditions. This variant is not present in population databases (gnomAD no frequency). This sequence change replaces glutamic acid, which is acidic and polar, with glycine, which is neutral and non-polar, at codon 702 of the IFT140 protein (p.Glu702Gly).

NM_014714.4(IFT140):c.2105A>G (p.Glu702Gly)

Gene: IFT140 (intraflagellar transport 140; minus strand). Cytogenetic location: 16p13.3.
Variant type: single nucleotide variant.
Coding change: c.2105A>G on transcript NM_014714.4 (MANE Select); coding-DNA position 2105, A replaced by G.
Protein change: p.Glu702Gly; replaces glutamic acid 702 with glycine.
Molecular consequence: missense variant.
Genome position (GRCh38, 1-based): chr16:1,562,079, T>C on the plus strand (A>G on the coding strand, the complement: IFT140 is on the minus strand). VCF-style: chr16-1562079-T-C. GRCh37 (hg19) VCF-style: chr16-1612080-T-C.
Other names: short protein forms E702G.
Identifiers: ClinVar variation 1021000 (VCV001021000.8), dbSNP rs2033441889, ClinGen allele CA394203789.